The following is an entry in ClinVar:

ClinVar aggregate classification (germline): Uncertain significance (1 of 4 stars; one submission).

Submission:

Labcorp Genetics (formerly Invitae), Labcorp
Classification: Uncertain significance. Last evaluated: 2022-09-17. Review status: criteria provided, single submitter. Criteria: Invitae Variant Classification Sherloc (09022015). Collection method: clinical testing. Allele origin: germline.
Comment: In summary, the available evidence is currently insufficient to determine the role of this variant in disease. Therefore, it has been classified as a Variant of Uncertain Significance. Advanced modeling of protein sequence and biophysical properties (such as structural, functional, and spatial information, amino acid conservation, physicochemical variation, residue mobility, and thermodynamic stability) performed at Invitae indicates that this missense variant is not expected to disrupt SLC12A6 protein function. This variant has not been reported in the literature in individuals affected with SLC12A6-related conditions. This variant is not present in population databases (gnomAD no frequency). This sequence change replaces leucine, which is neutral and non-polar, with valine, which is neutral and non-polar, at codon 308 of the SLC12A6 protein (p.Leu308Val).

NM_001365088.1(SLC12A6):c.922C>G (p.Leu308Val)

Gene: SLC12A6 (solute carrier family 12 member 6; minus strand). Cytogenetic location: 15q14.
Variant type: single nucleotide variant.
Coding change: c.922C>G on transcript NM_001365088.1 (MANE Select); coding-DNA position 922, C replaced by G.
Protein change: p.Leu308Val; replaces leucine 308 with valine.
Molecular consequence: missense variant.
Genome position (GRCh38, 1-based): chr15:34,254,544, G>C on the plus strand (C>G on the coding strand, the complement: SLC12A6 is on the minus strand). VCF-style: chr15-34254544-G-C. GRCh37 (hg19) VCF-style: chr15-34546745-G-C.
Other names: c.877C>G, p.Leu293Val (NM_001042497.2); c.769C>G, p.Leu257Val (NM_005135.2); c.922C>G, p.Leu308Val (NM_133647.2); c.745C>G, p.Leu249Val (NM_001042494.2, NM_001042495.2); c.895C>G, p.Leu299Val (NM_001042496.2); short protein forms L249V, L257V, L293V, L299V, L308V.
Identifiers: ClinVar variation 1714865 (VCV001714865.5), dbSNP rs2509817413, ClinGen allele CA391609619.